The following is an entry in ClinVar:

ClinVar aggregate classification (germline): Uncertain significance. Review status: criteria provided, multiple submitters, no conflicts (2 of 4 stars). 2 submissions from 2 submitters: Uncertain significance (2). Last evaluated 2026-07-06.

Conditions:
Hereditary cancer-predisposing syndrome. Also called: Tumor predisposition; Hereditary Cancer Syndrome; Hereditary neoplastic syndrome; Neoplastic Syndromes, Hereditary. Identifiers: Orphanet 140162, MedGen C0027672, MeSH D009386, MONDO:0015356.
Oligodontia-cancer predisposition syndrome. Also called: TOOTH AGENESIS-COLORECTAL CANCER SYNDROME. Identifiers: Orphanet 300576, MedGen C1837750, MONDO:0012075, OMIM 608615. Disease mechanism: loss of function.

Allele frequency attached by ClinVar (database versions not stated): TOPMed below 0.00001.

Submissions (2):

Ambry Genetics
Classification: Uncertain significance for Hereditary cancer-predisposing syndrome. Last evaluated: 2026-07-06. Review status: criteria provided, single submitter. Criteria: Ambry Variant Classification Scheme 2023. Collection method: clinical testing. Allele origin: germline.
Comment: The p.R18C variant (also known as c.52C>T), located in coding exon 1 of the AXIN2 gene, results from a C to T substitution at nucleotide position 52. The arginine at codon 18 is replaced by cysteine, an amino acid with highly dissimilar properties. This amino acid position is conserved. In addition, the in silico prediction for this alteration is inconclusive. Based on the available evidence, the clinical significance of this variant remains unclear.

Labcorp Genetics (formerly Invitae), Labcorp
Classification: Uncertain significance for Oligodontia-cancer predisposition syndrome. Last evaluated: 2022-05-08. Review status: criteria provided, single submitter. Criteria: Invitae Variant Classification Sherloc (09022015). Collection method: clinical testing. Allele origin: germline.
Comment: In summary, the available evidence is currently insufficient to determine the role of this variant in disease. Therefore, it has been classified as a Variant of Uncertain Significance. Algorithms developed to predict the effect of missense changes on protein structure and function are either unavailable or do not agree on the potential impact of this missense change (SIFT: "Deleterious"; PolyPhen-2: "Probably Damaging"; Align-GVGD: "Class C0"). This variant has not been reported in the literature in individuals affected with AXIN2-related conditions. This variant is not present in population databases (gnomAD no frequency). This sequence change replaces arginine, which is basic and polar, with cysteine, which is neutral and slightly polar, at codon 18 of the AXIN2 protein (p.Arg18Cys).

NM_004655.4(AXIN2):c.52C>T (p.Arg18Cys)

Gene: AXIN2 (axin 2; minus strand). Cytogenetic location: 17q24.1.
Variant type: single nucleotide variant.
Coding change: c.52C>T on transcript NM_004655.4 (MANE Select); coding-DNA position 52, C replaced by T.
Protein change: p.Arg18Cys; replaces arginine 18 with cysteine.
Molecular consequence: missense variant.
Genome position (GRCh38, 1-based): chr17:65,558,569, G>A on the plus strand (C>T on the coding strand, the complement: AXIN2 is on the minus strand). VCF-style: chr17-65558569-G-A. GRCh37 (hg19) VCF-style: chr17-63554687-G-A.
Other names: c.52C>T, p.Arg18Cys (NM_001363813.1); short protein forms R18C.
Identifiers: ClinVar variation 2133434 (VCV002133434.5), dbSNP rs2044311594, ClinGen allele CA400682347.